The following is an entry in ClinVar:

ClinVar aggregate classification (germline): Uncertain significance. Review status: criteria provided, multiple submitters, no conflicts (2 of 4 stars). 2 submissions from 2 submitters: Uncertain significance (2). Last evaluated 2024-07-07.

Conditions:
Inborn genetic diseases. Identifiers: MedGen C0950123, MeSH D030342.
Charcot-Marie-Tooth disease type 4. Also called: Charcot-Marie-Tooth, Type 4; Charcot-Marie-Tooth disease, type IV. Identifiers: Orphanet 64749, MedGen C4082197, MONDO:0018995.

Allele frequency attached by ClinVar (database versions not stated): gnomAD exomes 0.00001 and 0.00003; ExAC 0.00002; gnomAD 0.00002; ESP Exome Variant Server 0.00015.
gnomAD v4.1: 16 of 1,600,976 alleles (0.001%); highest among the groups gnomAD compares: East Asian, 0.0045%; no homozygotes.

Submissions (2):

Ambry Genetics
Classification: Uncertain significance for Inborn genetic diseases. Last evaluated: 2024-07-07. Review status: criteria provided, single submitter. Criteria: Ambry Variant Classification Scheme 2023. Collection method: clinical testing. Allele origin: germline.

Labcorp Genetics (formerly Invitae), Labcorp
Classification: Uncertain significance for Charcot-Marie-Tooth disease type 4. Last evaluated: 2022-11-08. Review status: criteria provided, single submitter. Criteria: Invitae Variant Classification Sherloc (09022015). Collection method: clinical testing. Allele origin: germline.
Comment: This variant is present in population databases (rs141309562, gnomAD 0.01%). In summary, the available evidence is currently insufficient to determine the role of this variant in disease. Therefore, it has been classified as a Variant of Uncertain Significance. Algorithms developed to predict the effect of missense changes on protein structure and function are either unavailable or do not agree on the potential impact of this missense change (SIFT: "Deleterious"; PolyPhen-2: "Benign"; Align-GVGD: "Class C0"). ClinVar contains an entry for this variant (Variation ID: 1000677). This variant has not been reported in the literature in individuals affected with FIG4-related conditions. This sequence change replaces arginine, which is basic and polar, with glutamine, which is neutral and polar, at codon 459 of the FIG4 protein (p.Arg459Gln).

NM_014845.6(FIG4):c.1376G>A (p.Arg459Gln)

Gene: FIG4 (FIG4 phosphoinositide 5-phosphatase; plus strand). Cytogenetic location: 6q21.
Variant type: single nucleotide variant.
Coding change: c.1376G>A on transcript NM_014845.6 (MANE Select); coding-DNA position 1376, G replaced by A.
Protein change: p.Arg459Gln; replaces arginine 459 with glutamine.
Molecular consequence: missense variant.
Genome position (GRCh38, 1-based): chr6:109,762,195, G>A. VCF-style: chr6-109762195-G-A. GRCh37 (hg19) VCF-style: chr6-110083398-G-A.
Other names: short protein forms R459Q.
Identifiers: ClinVar variation 1000677 (VCV001000677.7), dbSNP rs141309562, ClinGen allele CA3956050.
Genomic context (GRCh38, chr6:109,762,195, plus strand): 5'-GTGTGGTGAAGAAAACAGGTTTCTTTGTAAACCGCCCTGATTCTTACTGTAGCATTTTGC[G>A]GCCAGATGAAAAGTATGTATGGTATTTTAAAACTTATAATAAATGATGATTTTTGCTCTT-3'
Protein context (NP_055660.1, residues 449-469): NRPDSYCSIL[Arg459Gln]PDEKWNELGG